The following is an entry in ClinVar:

NM_000088.4(COL1A1):c.677dup (p.Gly227fs)

Gene: COL1A1 (collagen type I alpha 1 chain; minus strand). Cytogenetic location: 17q21.33.
Variant type: Duplication.
Coding change: c.677dup on transcript NM_000088.4 (MANE Select); coding-DNA position 677, one base duplicated (C; older notation c.677dupC).
Protein change: p.Gly227fs; shifts the reading frame from glycine 227.
Molecular consequence: frameshift variant.
Genome position (GRCh38, 1-based): chr17:50,197,751, G duplicated on the plus strand (C on the coding strand, the reverse complement: COL1A1 is on the minus strand); the first of 5 consecutive G bases (chr17:50,197,751-50,197,755); duplicating any one gives the same sequence. VCF-style (leftmost placement, unchanged base first): chr17-50197750-A-AG. GRCh37 (hg19) VCF-style: chr17-48275111-A-AG.
Other names: c.677dupC (NM_000088.4); short protein forms G227fs.
Identifiers: ClinVar variation 1455350 (VCV001455350.8), dbSNP rs1598299754, ClinGen allele CA2573154225.

ClinVar aggregate classification (germline): Pathogenic. Review status: criteria provided, multiple submitters, no conflicts (2 of 4 stars). 3 submissions from 3 submitters: Pathogenic (3). Last evaluated 2026-04-07.

Conditions:
Osteogenesis imperfecta type I (OI1). Also called: OI, TYPE I; OSTEOGENESIS IMPERFECTA TARDA; OSTEOGENESIS IMPERFECTA WITH BLUE SCLERAE; Osteogenesis imperfecta type 1; Lobstein's Disease; Lobstein disease. Identifiers: Orphanet 216796, Orphanet 666, MedGen C0023931, MONDO:0008146, OMIM 166200. Disease mechanism: loss of function.

Submissions (3):

Clinical Genetics and Genomics, Karolinska University Hospital
Classification: Pathogenic for Osteogenesis imperfecta type I. Last evaluated: 2026-04-07. Review status: criteria provided, single submitter. Criteria: ACMG Guidelines, 2015. Collection method: clinical testing. Allele origin: maternal. Affected: yes.
Comment: This frameshift variant creates a premature stop signal in the COL1A1 gene. It is expected to lead to a loss of protein function (PMID: 16199547), and loss-of-function variants in COL1A1 are known to be pathogenic (PMID: 7942841, 9295084, 9443882). This variant is not present in population databases (gnomAD no frequency).

Women's Health and Genetics/Laboratory Corporation of America, LabCorp
Classification: Pathogenic for Osteogenesis imperfecta type I. Last evaluated: 2025-11-19. Review status: criteria provided, single submitter. Criteria: LabCorp Variant Classification Summary - May 2015. Collection method: clinical testing. Allele origin: germline.
Comment: Variant summary: COL1A1 c.677dupC (p.Gly227TrpfsX6) results in a premature termination codon, predicted to cause a truncation of the encoded protein or absence of the protein due to nonsense mediated decay, which are commonly known mechanisms for disease. The variant was absent in 237074 control chromosomes. To our knowledge, no occurrence of c.677dupC in individuals affected with COL1A1-related conditions and no experimental evidence demonstrating its impact on protein function have been reported. ClinVar contains an entry for this variant (Variation ID: 1455350). Based on the evidence outlined above, the variant was classified as pathogenic.

Labcorp Genetics (formerly Invitae), Labcorp
Classification: Pathogenic for Osteogenesis imperfecta type I. Last evaluated: 2021-06-06. Review status: criteria provided, single submitter. Criteria: Invitae Variant Classification Sherloc (09022015). Collection method: clinical testing. Allele origin: germline.
Comment: For these reasons, this variant has been classified as Pathogenic. This variant has not been reported in the literature in individuals with COL1A1-related conditions. This variant is not present in population databases (ExAC no frequency). This sequence change creates a premature translational stop signal (p.Gly227Trpfs*6) in the COL1A1 gene. It is expected to result in an absent or disrupted protein product. Loss-of-function variants in COL1A1 are known to be pathogenic (PMID: 7942841, 9295084, 9443882).

Literature cited by the submitters: PubMed 7942841 (cited by Labcorp Genetics (formerly Invitae), Labcorp); PubMed 9295084 (cited by Labcorp Genetics (formerly Invitae), Labcorp); PubMed 9443882 (cited by Labcorp Genetics (formerly Invitae), Labcorp).